The following is an entry in ClinVar:

NM_000543.5(SMPD1):c.354del (p.Ile119fs)

Gene: SMPD1 (sphingomyelin phosphodiesterase 1; plus strand). Cytogenetic location: 11p15.4.
Variant type: Deletion.
Coding change: c.354del on transcript NM_000543.5 (MANE Select); coding-DNA position 354, one base deleted (C; older notation c.354delC).
Protein change: p.Ile119fs; shifts the reading frame from isoleucine 119.
Molecular consequence: frameshift variant. On other transcripts: 5 prime UTR variant (1), non-coding transcript variant (2).
Genome position (GRCh38, 1-based): chr11:6,391,419, C deleted; the last of 2 consecutive C bases (chr11:6,391,418-6,391,419); deleting either gives the same sequence. VCF-style (leftmost placement, unchanged base first): chr11-6391417-GC-G. GRCh37 (hg19) VCF-style: chr11-6412647-GC-G.
Other names: c.351del, p.Ile118fs (NM_001007593.3); c.354del, p.Ile119fs (NM_001318087.2, NM_001365135.2); c.-608del (NM_001318088.2); c.354delC (NM_000543.5); c.354del (NM_000543.4); short protein forms I118fs, I119fs.
Identifiers: ClinVar variation 167708 (VCV000167708.28), dbSNP rs727504165, ClinGen allele CA234967.
Genomic context (GRCh38, chr11:6,391,417, plus strand): 5'-TCTCACCATGCGCTCCTCCCACTGCAGAAGGAACCCAATGTGGCTCGCGTGGGCTCCGTG[GC>G]CATCAAGCTGTGCAATCTGCTGAAGATAGCACCACCTGCCGTGTGCCAATCCATTGTCCA-3'

ClinVar aggregate classification (germline): Pathogenic/Likely pathogenic. Review status: criteria provided, multiple submitters, no conflicts (2 of 4 stars). 7 submissions from 7 submitters: Pathogenic (4); Likely pathogenic (2). 1 of the submissions does not count toward it. Last evaluated 2026-01-26.

Conditions:
Niemann-Pick disease, type B. Also called: Chronic Visceral ASMD (Niemann-Pick Disease Type B; NPD-B). Identifiers: Orphanet 77293, MedGen C0268243, MONDO:0011871, OMIM 607616. Disease mechanism: loss of function.
Niemann-Pick disease, type A. Also called: Infantile Neurovisceral ASMD (Niemann-Pick Disease Type A; NPD-A); SPHINGOMYELIN LIPIDOSIS; SPHINGOMYELINASE DEFICIENCY. Identifiers: Orphanet 77292, MedGen C0268242, MONDO:0009756, OMIM 257200. Disease mechanism: loss of function.

Submissions (7):

Women's Health and Genetics/Laboratory Corporation of America, LabCorp
Classification: Pathogenic for Niemann-Pick disease, type A. Last evaluated: 2026-01-26. Review status: criteria provided, single submitter. Criteria: LabCorp Variant Classification Summary - May 2015. Collection method: clinical testing. Allele origin: germline.
Comment: Variant summary: SMPD1 c.354delC (p.Ile119SerfsX7) results in a premature termination codon, predicted to cause a truncation of the encoded protein or absence of the protein due to nonsense mediated decay, which are commonly known mechanisms for disease. The variant was absent in 250864 control chromosomes. To our knowledge, no occurrence of c.354delC in individuals affected with SMPD1-related conditions and no experimental evidence demonstrating its impact on protein function have been reported. The following publication has been ascertained in the context of this evaluation (PMID: 26990548). ClinVar contains an entry for this variant (Variation ID: 167708). Based on the evidence outlined above, the variant was classified as pathogenic.

Labcorp Genetics (formerly Invitae), Labcorp
Classification: Pathogenic for Niemann-Pick disease, type B; Niemann-Pick disease, type A. Last evaluated: 2025-11-22. Review status: criteria provided, single submitter. Criteria: Invitae Variant Classification Sherloc (09022015). Collection method: clinical testing. Allele origin: germline.
Comment: This sequence change creates a premature translational stop signal (p.Ile119Serfs*7) in the SMPD1 gene. It is expected to result in an absent or disrupted protein product. Loss-of-function variants in SMPD1 are known to be pathogenic (PMID: 12369017, 15221801). This variant is not present in population databases (gnomAD no frequency). This variant has not been reported in the literature in individuals affected with SMPD1-related conditions. ClinVar contains an entry for this variant (Variation ID: 167708). For these reasons, this variant has been classified as Pathogenic.

Natera, Inc.
Classification: Likely pathogenic for Niemann-Pick Disease, Types A/B. Last evaluated: 2025-07-03. Review status: criteria provided, single submitter. Criteria: Natera Variant Classification Schema (03/2026). Collection method: clinical testing. Allele origin: germline.
Comment: The c.354delC variant in SMPD1 is a frameshift variant predicted to shift the reading frame beginning at codon 119 and leads to a stop codon 7 codons downstream. This variant is expected to result in nonsense mediated decay, truncation, or a dysfunctional protein product. This variant is rare in the general population with a frequency below the threshold expected for the associated phenotype(s). Given the available evidence, this variant is classified as Likely Pathogenic.

GeneDx
Classification: Likely pathogenic. Last evaluated: 2024-12-21. Review status: criteria provided, single submitter. Criteria: GeneDx Variant Classification Process June 2021. Collection method: clinical testing. Allele origin: germline. Affected: yes.
Comment: Frameshift variant predicted to result in protein truncation or nonsense mediated decay in a gene for which loss-of-function is a known mechanism of disease; Not observed in large population cohorts (gnomAD); Has not been previously published as pathogenic or benign to our knowledge; This variant is associated with the following publications: (PMID: 26990548)

Baylor Genetics
Classification: Pathogenic for Niemann-Pick disease, type A. Last evaluated: 2024-03-19. Review status: criteria provided, single submitter. Criteria: ACMG Guidelines, 2015. Collection method: clinical testing. Allele origin: unknown.

Eurofins Ntd Llc (ga)
Classification: Pathogenic. Last evaluated: 2014-10-13. Review status: criteria provided, single submitter. Criteria: EGL Classification Definitions. Collection method: clinical testing. Allele origin: germline. Observed: 3 variant alleles, 3 heterozygotes.

Counsyl
Classification: Likely pathogenic for Niemann-Pick disease, type A. Last evaluated: 2015-12-18. Review status: no assertion criteria provided. Collection method: clinical testing. Allele origin: unknown. Not counted in ClinVar's aggregate classification.

Literature cited by the submitters: PubMed 26990548 (cited by Women's Health and Genetics/Laboratory Corporation of America, LabCorp); PubMed 12369017 (cited by Labcorp Genetics (formerly Invitae), Labcorp); PubMed 15221801 (cited by Labcorp Genetics (formerly Invitae), Labcorp).